The following is an entry in ClinVar:

ClinVar aggregate classification (germline): Conflicting classifications of pathogenicity. Review status: criteria provided, conflicting classifications (1 of 4 stars). 4 submissions from 4 submitters: Uncertain significance (1); Likely benign (2). 1 of the submissions does not count toward it. Last evaluated 2026-01-16.

Conditions:
COL6A2-related disorder.
Bethlem myopathy 1A. Also called: MYOPATHY, BENIGN CONGENITAL, WITH CONTRACTURES; Bethlem myopathy 1; Bethlem Muscular Dystrophy. Identifiers: Orphanet 610, MedGen CN029274, MONDO:0024530, OMIM 158810.

Allele frequency attached by ClinVar (database versions not stated): gnomAD 0.00003 and 0.00004; gnomAD exomes 0.00004 and 0.00005; TOPMed 0.00007; ExAC 0.00011; 1000 Genomes Project 0.00040.

Submissions (4):

Labcorp Genetics (formerly Invitae), Labcorp
Classification: Likely benign for Bethlem myopathy 1A. Last evaluated: 2026-01-16. Review status: criteria provided, single submitter. Criteria: Invitae Variant Classification Sherloc (09022015). Collection method: clinical testing. Allele origin: germline.

Blueprint Genetics
Classification: Likely benign. Last evaluated: 2024-11-27. Review status: criteria provided, single submitter. Criteria: ACMG Guidelines, 2015. Collection method: clinical testing. Allele origin: germline.

Eurofins Ntd Llc (ga)
Classification: Uncertain significance. Last evaluated: 2016-06-01. Review status: criteria provided, single submitter. Criteria: EGL Classification Definitions 2015. Collection method: clinical testing. Allele origin: germline. Observed: 1 variant allele, 1 heterozygote.

PreventionGenetics, part of Exact Sciences
Classification: Likely benign for COL6A2-related condition. Last evaluated: 2019-05-22. Review status: no assertion criteria provided. Collection method: clinical testing. Allele origin: germline. Not counted in ClinVar's aggregate classification.
Comment: This variant is classified as likely benign based on ACMG/AMP sequence variant interpretation guidelines (Richards et al. 2015 PMID: 25741868, with internal and published modifications).

NM_001849.4(COL6A2):c.115+10G>T

Gene: COL6A2 (collagen type VI alpha 2 chain; plus strand). Cytogenetic location: 21q22.3.
Variant type: single nucleotide variant.
Coding change: c.115+10G>T on transcript NM_001849.4 (MANE Select); 10 bases into the intron after coding-DNA position 115, G replaced by T.
Molecular consequence: intron variant.
Genome position (GRCh38, 1-based): chr21:46,111,601, G>T. VCF-style: chr21-46111601-G-T. GRCh37 (hg19) VCF-style: chr21-47531515-G-T.
Other names: c.115+10G>T (NM_058175.3, NM_058174.3).
Identifiers: ClinVar variation 288413 (VCV000288413.17), dbSNP rs200797233, ClinGen allele CA10071183.